The following is an entry in ClinVar:

NM_001243925.2(MAPKAPK3):c.830C>T (p.Ala277Val)

Gene: MAPKAPK3 (MAPK activated protein kinase 3; plus strand). Cytogenetic location: 3p21.2.
Variant type: single nucleotide variant.
Coding change: c.830C>T on transcript NM_001243925.2 (MANE Select); coding-DNA position 830, C replaced by T.
Protein change: p.Ala277Val; replaces alanine 277 with valine.
Molecular consequence: missense variant.
Genome position (GRCh38, 1-based): chr3:50,646,740, C>T. VCF-style: chr3-50646740-C-T. GRCh37 (hg19) VCF-style: chr3-50684171-C-T.
Other names: c.830C>T, p.Ala277Val (NM_001243926.2, NM_004635.5); short protein forms A277V.
Identifiers: ClinVar variation 1378809 (VCV001378809.6), dbSNP rs750932578, ClinGen allele CA352935312.
Genomic context (GRCh38, chr3:50,646,740, plus strand): 5'-AAGGGTGGAGGGGCTGGCTCTGCAATCTCATCTCTCCCCTCTCTTCCCTGGCCCCCCTAG[C>T]CAAGCAGCTGATCCGCCTCCTGTTGAAGACAGACCCCACAGAGAGGCTGACCATCACTCA-3'
Protein context (NP_001230854.1, residues 267-287): NPEWSEVSED[Ala277Val]KQLIRLLLKT

ClinVar aggregate classification (germline): Uncertain significance (1 of 4 stars; one submission).

Submission:

Labcorp Genetics (formerly Invitae), Labcorp
Classification: Uncertain significance. Last evaluated: 2024-02-24. Review status: criteria provided, single submitter. Criteria: Invitae Variant Classification Sherloc (09022015). Collection method: clinical testing. Allele origin: germline.
Comment: This sequence change replaces alanine, which is neutral and non-polar, with valine, which is neutral and non-polar, at codon 277 of the MAPKAPK3 protein (p.Ala277Val). This variant is not present in population databases (gnomAD no frequency). This variant has not been reported in the literature in individuals affected with MAPKAPK3-related conditions. ClinVar contains an entry for this variant (Variation ID: 1378809). An algorithm developed to predict the effect of missense changes on protein structure and function (PolyPhen-2) suggests that this variant is likely to be tolerated. In summary, the available evidence is currently insufficient to determine the role of this variant in disease. Therefore, it has been classified as a Variant of Uncertain Significance.